The following is an entry in ClinVar:

ClinVar aggregate classification (germline): Uncertain significance (1 of 4 stars; one submission).

Submission:

Labcorp Genetics (formerly Invitae), Labcorp
Classification: Uncertain significance. Last evaluated: 2022-10-05. Review status: criteria provided, single submitter. Criteria: Invitae Variant Classification Sherloc (09022015). Collection method: clinical testing. Allele origin: germline.
Comment: In summary, the available evidence is currently insufficient to determine the role of this variant in disease. Therefore, it has been classified as a Variant of Uncertain Significance. Algorithms developed to predict the effect of missense changes on protein structure and function are either unavailable or do not agree on the potential impact of this missense change (SIFT: "Not Available"; PolyPhen-2: "Possibly Damaging"; Align-GVGD: "Not Available"). This variant has not been reported in the literature in individuals affected with FH-related conditions. Information on the frequency of this variant in the gnomAD database is not available, as this variant may be reported differently in the database. This sequence change replaces alanine, which is neutral and non-polar, with leucine, which is neutral and non-polar, at codon 119 of the FH protein (p.Ala119Leu).

NM_000143.4(FH):c.355_356delinsTT (p.Ala119Leu)

Gene: FH (fumarate hydratase; minus strand). Cytogenetic location: 1q43.
Variant type: Indel.
Coding change: c.355_356delinsTT on transcript NM_000143.4 (MANE Select); coding-DNA positions 355 to 356, GC replaced by TT.
Protein change: p.Ala119Leu; replaces alanine 119 with leucine.
Molecular consequence: missense variant.
Genome position (GRCh38, 1-based): chr1:241,513,625-241,513,626, GC replaced by AA on the plus strand (GC replaced by TT on the coding strand, the reverse complement: FH is on the minus strand). VCF-style: chr1-241513625-GC-AA. GRCh37 (hg19) VCF-style: chr1-241676925-GC-AA.
Other names: short protein forms A119L.
Identifiers: ClinVar variation 2034173 (VCV002034173.4), dbSNP rs2527335079, ClinGen allele CA2580063462.